The following is an entry in ClinVar:

ClinVar aggregate classification (germline): Uncertain significance (1 of 4 stars; one submission).

Conditions:
PLXNA2-related disorder. Also called: PLXNA2-related condition.

Allele frequency attached by ClinVar (database versions not stated): gnomAD exomes below 0.00001.
gnomAD v4.1: 4 of 1,614,108 alleles (0.00025%); highest among the groups gnomAD compares: Non-Finnish European, 0.00025%; no homozygotes.

Submission:

PreventionGenetics, part of Exact Sciences
Classification: Uncertain significance for PLXNA2-related condition. Last evaluated: 2023-06-16. Review status: criteria provided, single submitter. Criteria: ACMG Guidelines, 2015. Collection method: clinical testing. Allele origin: germline.
Comment: The PLXNA2 c.553G>A variant is predicted to result in the amino acid substitution p.Gly185Ser. To our knowledge, this variant has not been reported in the literature. This variant is reported in 0.0092% of alleles in individuals of European (Finnish) descent in gnomAD. At this time, the clinical significance of this variant is uncertain due to the absence of conclusive functional and genetic evidence.

NM_025179.4(PLXNA2):c.553G>A (p.Gly185Ser)

Gene: PLXNA2 (plexin A2; minus strand). Cytogenetic location: 1q32.2.
Variant type: single nucleotide variant.
Coding change: c.553G>A on transcript NM_025179.4 (MANE Select); coding-DNA position 553, G replaced by A.
Protein change: p.Gly185Ser; replaces glycine 185 with serine.
Molecular consequence: missense variant.
Genome position (GRCh38, 1-based): chr1:208,217,370, C>T on the plus strand (G>A on the coding strand, the complement: PLXNA2 is on the minus strand). VCF-style: chr1-208217370-C-T. GRCh37 (hg19) VCF-style: chr1-208390715-C-T.
Other names: short protein forms G185S.
Identifiers: ClinVar variation 2630319 (VCV002630319.1), dbSNP rs1223742763, ClinGen allele CA344559369.